The following is an entry in ClinVar:

ClinVar aggregate classification (germline): Uncertain significance. Review status: criteria provided, multiple submitters, no conflicts (2 of 4 stars). 2 submissions from 2 submitters: Uncertain significance (2). Last evaluated 2025-01-09.

Conditions:
Hereditary cancer-predisposing syndrome. Also called: Neoplastic Syndromes, Hereditary; Hereditary Cancer Syndrome; Hereditary neoplastic syndrome; Tumor predisposition. Identifiers: Orphanet 140162, MedGen C0027672, MeSH D009386, MONDO:0015356.

Submissions (2):

Molecular Diagnostics Laboratory, Catalan Institute of Oncology
Classification: Uncertain significance for Hereditary cancer-predisposing syndrome. Last evaluated: 2025-01-09. Review status: criteria provided, single submitter. Criteria: ClinGen ACMG Specifications ATM V1.1.0. Collection method: clinical testing. Allele origin: germline.
Comment: PM2_Supporting, BP4 c.2371A>G, located in exon 15 of the ATM gene, is predicted to result in the substitution of threonine by alanine at codon 791, p.(Thr791Ala). It is not present in the population database gnomAD v2.1.1, non-cancer dataset (PM2_supporting). The SpliceAI algorithm predicts no significant impact on splicing. The REVEL meta-predictor score for this variant (0.094) suggests that it does not affect the protein function (BP4). To our knowledge, neither relevant clinical data nor well-established functional studies have been reported for this variant. This variant has only been reported once in ClinVar as of uncertain significance, and has not been reported in the LOVD. Based on currently available information, the variant c.2371A>G should be considered an uncertain significance variant according to ACMG Classification Rules Specified for ATM v1.1.

Ambry Genetics
Classification: Uncertain significance for Hereditary cancer-predisposing syndrome. Last evaluated: 2016-12-01. Review status: criteria provided, single submitter. Criteria: Ambry Variant Classification Scheme 2023. Collection method: clinical testing. Allele origin: germline.
Comment: The p.T791A variant (also known as c.2371A>G), located in coding exon 14 of the ATM gene, results from an A to G substitution at nucleotide position 2371. The threonine at codon 791 is replaced by alanine, an amino acid with similar properties. This amino acid position is poorly conserved in available vertebrate species. In addition, this alteration is predicted to be tolerated by in silico analysis. Since supporting evidence is limited at this time, the clinical significance of this alteration remains unclear.

NM_000051.4(ATM):c.2371A>G (p.Thr791Ala)

Gene: ATM (ATM serine/threonine kinase; plus strand). Cytogenetic location: 11q22.3.
Variant type: single nucleotide variant.
Coding change: c.2371A>G on transcript NM_000051.4 (MANE Select); coding-DNA position 2371, A replaced by G.
Protein change: p.Thr791Ala; replaces threonine 791 with alanine.
Molecular consequence: missense variant.
Genome position (GRCh38, 1-based): chr11:108,257,601, A>G. VCF-style: chr11-108257601-A-G. GRCh37 (hg19) VCF-style: chr11-108128328-A-G.
Other names: c.2371A>G, p.Thr791Ala (NM_001351834.2); short protein forms T791A.
Identifiers: ClinVar variation 479050 (VCV000479050.6), dbSNP rs1555075814, ClinGen allele CA382540389.
Genomic context (GRCh38, chr11:108,257,601, plus strand): 5'-TTCAGAATTGGTTCCTTGAGAAATATGATGCAGCTATGTACACGTTGCTTGAGCAACTGT[A>G]CCAAGGTAAGATTTTCTTCTTCTTGTTTTGTTTTTTGAGATAGGATCTTTCTCTGTCACC-3'
Protein context (NP_000042.3, residues 781-801): QLCTRCLSNC[Thr791Ala]KKSPNKIASG